The following is an entry in ClinVar:

ClinVar aggregate classification (germline): Uncertain significance (1 of 4 stars; one submission).

Conditions:
Fetal akinesia deformation sequence 1 (FADS1). Also called: Pena-Shokeir syndrome type I; Fetal akinesia sequence. Identifiers: Orphanet 994, MedGen C1276035, MONDO:0100101, OMIM 208150, HP:0001989.
Congenital myasthenic syndrome 10. Also called: Myasthenia, limb-girdle, familial. Identifiers: Orphanet 590, MedGen C1850792, MONDO:0009690, OMIM 254300.

Allele frequency attached by ClinVar (database versions not stated): gnomAD exomes below 0.00001; gnomAD 0.00001.
gnomAD v4.1: 7 of 1,613,142 alleles (0.00043%); highest among the groups gnomAD compares: African/African-American, 0.0013%; no homozygotes.

Submission:

Labcorp Genetics (formerly Invitae), Labcorp
Classification: Uncertain significance for Congenital myasthenic syndrome 10; Fetal akinesia deformation sequence 1. Last evaluated: 2021-06-19. Review status: criteria provided, single submitter. Criteria: Invitae Variant Classification Sherloc (09022015). Collection method: clinical testing. Allele origin: germline.
Comment: In summary, the available evidence is currently insufficient to determine the role of this variant in disease. Therefore, it has been classified as a Variant of Uncertain Significance. Algorithms developed to predict the effect of missense changes on protein structure and function are either unavailable or do not agree on the potential impact of this missense change (SIFT: "Deleterious"; PolyPhen-2: "Probably Damaging"; Align-GVGD: "Class C15"). This variant has not been reported in the literature in individuals with DOK7-related conditions. This variant is not present in population databases (ExAC no frequency). This sequence change replaces alanine with valine at codon 129 of the DOK7 protein (p.Ala129Val). The alanine residue is highly conserved and there is a small physicochemical difference between alanine and valine.

NM_173660.5(DOK7):c.386C>T (p.Ala129Val)

Gene: DOK7 (docking protein 7; plus strand). Cytogenetic location: 4p16.3.
Variant type: single nucleotide variant.
Coding change: c.386C>T on transcript NM_173660.5 (MANE Select); coding-DNA position 386, C replaced by T.
Protein change: p.Ala129Val; replaces alanine 129 with valine.
Molecular consequence: missense variant. On other transcripts: intron variant (1).
Genome position (GRCh38, 1-based): chr4:3,476,396, C>T. VCF-style: chr4-3476396-C-T. GRCh37 (hg19) VCF-style: chr4-3478123-C-T.
Other names: c.386C>T, p.Ala129Val (NM_001164673.2, NM_001301071.2); c.101-9143C>T (NM_001363811.2); short protein forms A129V.
Identifiers: ClinVar variation 1448609 (VCV001448609.8), dbSNP rs1158650422, ClinGen allele CA356114223.